The following is an entry in ClinVar:

NM_006121.4(KRT1):c.1666_1687delinsA (p.Gly556_Gly563delinsSer)

Gene: KRT1 (keratin 1; minus strand). Cytogenetic location: 12q13.13.
Variant type: Indel.
Coding change: c.1666_1687delinsA on transcript NM_006121.4 (MANE Select); coding-DNA positions 1666 to 1687, GGTAGCAGCTACGGCTCCGGAG replaced by A.
Protein change: p.Gly556_Gly563delinsSer.
Molecular consequence: inframe indel.
Genome position (GRCh38, 1-based): chr12:52,675,441-52,675,462, CTCCGGAGCCGTAGCTGCTACC replaced by T on the plus strand (GGTAGCAGCTACGGCTCCGGAG replaced by A on the coding strand, the reverse complement: KRT1 is on the minus strand). VCF-style: chr12-52675441-CTCCGGAGCCGTAGCTGCTACC-T. GRCh37 (hg19) VCF-style: chr12-53069225-CTCCGGAGCCGTAGCTGCTACC-T.
Other names: c.1666_1687delinsA (NM_006121.3).
Identifiers: ClinVar variation 2433263 (VCV002433263.4), dbSNP rs2498630125, ClinGen allele CA2580086464.
Genomic context (GRCh38, chr12:52,675,441, plus strand): 5'-TGCTTCCGGAGCCGTAGCTGCCATGGCCGCCGCCGCCACCTCCAGAGCCATAGCTGCCAC[CTCCGGAGCCGTAGCTGCTACC>T]TCCGGAGCCATAGCTGCCACGGCCGCCGCCGCCGCCACCTCCAGAACCATAGCTACCACC-3'

ClinVar aggregate classification (germline): Uncertain significance. Review status: criteria provided, single submitter (1 of 4 stars). 2 submissions from 2 submitters: Uncertain significance (1). 1 of the submissions does not count toward it. Last evaluated 2022-03-18.

Conditions:
KRT1-related disorder. Also called: KRT1-related condition.

Submissions (2):

Revvity Omics, Revvity
Classification: Uncertain significance. Last evaluated: 2022-03-18. Review status: criteria provided, single submitter. Criteria: ACMG Guidelines, 2015. Collection method: clinical testing. Allele origin: germline.

PreventionGenetics, part of Exact Sciences
Classification: Uncertain significance for KRT1-related condition. Last evaluated: 2024-09-23. Review status: no assertion criteria provided. Collection method: clinical testing. Allele origin: germline. Not counted in ClinVar's aggregate classification.
Comment: The KRT1 c.1666_1687delinsA variant is predicted to result in an in-frame deletion and insertion. To our knowledge, this variant has not been reported in the literature or in a large population database, indicating this variant is rare. At this time, the clinical significance of this variant is uncertain due to the absence of conclusive functional and genetic evidence.